The following is an entry in ClinVar:

NM_170606.3(KMT2C):c.2437C>A (p.Pro813Thr)

Gene: KMT2C (lysine methyltransferase 2C; minus strand). Cytogenetic location: 7q36.1.
Variant type: single nucleotide variant.
Coding change: c.2437C>A on transcript NM_170606.3 (MANE Select); coding-DNA position 2437, C replaced by A.
Protein change: p.Pro813Thr; replaces proline 813 with threonine.
Molecular consequence: missense variant.
Genome position (GRCh38, 1-based): chr7:152,247,997, G>T on the plus strand (C>A on the coding strand, the complement: KMT2C is on the minus strand). VCF-style: chr7-152247997-G-T. GRCh37 (hg19) VCF-style: chr7-151945082-G-T.
Other names: short protein forms P813T.
Identifiers: ClinVar variation 1906801 (VCV001906801.5), dbSNP rs1239103799, ClinGen allele CA370078129.
Genomic context (GRCh38, chr7:152,247,997, plus strand): 5'-TCTTAGTAATAGCTGGTTTACCCATGCCAATTTTTGGAGTGACTGAGATGTAAGTTGTTG[G>T]CATGATGTTTCCAGCAGAGGAACTAAGAGCTGAAGGGTAATTATGCAGCATGTCATGCGA-3'
Protein context (NP_733751.2, residues 803-823): ALSSSAGNIM[Pro813Thr]TTYISVTPKI

ClinVar aggregate classification (germline): Uncertain significance (1 of 4 stars; one submission).

Submission:

Labcorp Genetics (formerly Invitae), Labcorp
Classification: Uncertain significance. Last evaluated: 2021-05-27. Review status: criteria provided, single submitter. Criteria: Invitae Variant Classification Sherloc (09022015). Collection method: clinical testing. Allele origin: germline.
Comment: In summary, the available evidence is currently insufficient to determine the role of this variant in disease. Therefore, it has been classified as a Variant of Uncertain Significance. Algorithms developed to predict the effect of missense changes on protein structure and function are either unavailable or do not agree on the potential impact of this missense change (SIFT: "Deleterious"; PolyPhen-2: "Probably Damaging"; Align-GVGD: "Class C0"). This variant has not been reported in the literature in individuals with KMT2C-related conditions. This variant is not present in population databases (ExAC no frequency). This sequence change replaces proline with threonine at codon 813 of the KMT2C protein (p.Pro813Thr). The proline residue is highly conserved and there is a small physicochemical difference between proline and threonine.